The following is an entry in ClinVar:

NM_005334.3(HCFC1):c.3538G>T (p.Val1180Leu)

Gene: HCFC1 (host cell factor C1; minus strand). Cytogenetic location: Xq28.
Variant type: single nucleotide variant.
Coding change: c.3538G>T on transcript NM_005334.3 (MANE Select); coding-DNA position 3538, G replaced by T.
Protein change: p.Val1180Leu; replaces valine 1180 with leucine.
Molecular consequence: missense variant.
Genome position (GRCh38, 1-based): chrX:153,954,861, C>A on the plus strand (G>T on the coding strand, the complement: HCFC1 is on the minus strand). VCF-style: chrX-153954861-C-A. GRCh37 (hg19) VCF-style: chrX-153220312-C-A.
Other names: c.3538G>T, p.Val1180Leu (NM_001410705.1, NM_001440843.1, NM_001440844.1 and 5 more transcripts); c.3340G>T, p.Val1114Leu (NM_001440850.1, NM_001440851.1); short protein forms V1114L, V1180L.
Identifiers: ClinVar variation 4779730 (VCV004779730.1).

ClinVar aggregate classification (germline): Uncertain significance (1 of 4 stars; one submission).

Conditions:
Methylmalonic acidemia with homocystinuria, type cblX (MAHCX). Also called: INTELLECTUAL DEVELOPMENTAL DISORDER, X-LINKED 3. Identifiers: Orphanet 369962, MedGen C0796208, MONDO:0010657, OMIM 309541.

Submission:

Labcorp Genetics (formerly Invitae), Labcorp
Classification: Uncertain significance for Methylmalonic acidemia with homocystinuria, type cblX. Last evaluated: 2026-01-08. Review status: criteria provided, single submitter. Criteria: Invitae Variant Classification Sherloc (09022015). Collection method: clinical testing. Allele origin: germline.
Comment: This sequence change replaces valine, which is neutral and non-polar, with leucine, which is neutral and non-polar, at codon 1180 of the HCFC1 protein (p.Val1180Leu). This variant is not present in population databases (gnomAD no frequency). This variant has not been reported in the literature in individuals affected with HCFC1-related conditions. An algorithm developed to predict the effect of missense changes on protein structure and function (PolyPhen-2) suggests that this variant is likely to be tolerated. In summary, the available evidence is currently insufficient to determine the role of this variant in disease. Therefore, it has been classified as a Variant of Uncertain Significance.